The following is an entry in ClinVar:

NM_001128840.3(CACNA1D):c.2953G>A (p.Val985Ile)

Gene: CACNA1D (calcium voltage-gated channel subunit alpha1 D; plus strand). Cytogenetic location: 3p21.1.
Variant type: single nucleotide variant.
Coding change: c.2953G>A on transcript NM_001128840.3 (MANE Select); coding-DNA position 2953, G replaced by A.
Protein change: p.Val985Ile; replaces valine 985 with isoleucine.
Molecular consequence: missense variant.
Genome position (GRCh38, 1-based): chr3:53,744,774, G>A. VCF-style: chr3-53744774-G-A. GRCh37 (hg19) VCF-style: chr3-53778801-G-A.
Other names: c.3013G>A, p.Val1005Ile (NM_000720.4); c.2953G>A, p.Val985Ile (NM_001128839.3); short protein forms V1005I, V985I.
Identifiers: ClinVar variation 1445546 (VCV001445546.7), dbSNP rs776649485, ClinGen allele CA2454402.

ClinVar aggregate classification (germline): Uncertain significance. Review status: criteria provided, multiple submitters, no conflicts (2 of 4 stars). 2 submissions from 2 submitters: Uncertain significance (2). Last evaluated 2025-08-24.

Allele frequency attached by ClinVar (database versions not stated): gnomAD 0.00001; TOPMed 0.00003.
gnomAD v4.1: 12 of 1,610,432 alleles (0.00075%); highest among the groups gnomAD compares: Admixed American, 0.018%; no homozygotes.

Submissions (2):

Labcorp Genetics (formerly Invitae), Labcorp
Classification: Uncertain significance. Last evaluated: 2025-08-24. Review status: criteria provided, single submitter. Criteria: Invitae Variant Classification Sherloc (09022015). Collection method: clinical testing. Allele origin: germline.
Comment: This sequence change replaces valine, which is neutral and non-polar, with isoleucine, which is neutral and non-polar, at codon 1005 of the CACNA1D protein (p.Val1005Ile). This variant is present in population databases (rs776649485, gnomAD 0.02%). This variant has not been reported in the literature in individuals affected with CACNA1D-related conditions. ClinVar contains an entry for this variant (Variation ID: 1445546). Invitae Evidence Modeling of protein sequence and biophysical properties (such as structural, functional, and spatial information, amino acid conservation, physicochemical variation, residue mobility, and thermodynamic stability) indicates that this missense variant is not expected to disrupt CACNA1D protein function with a negative predictive value of 80%. In summary, the available evidence is currently insufficient to determine the role of this variant in disease. Therefore, it has been classified as a Variant of Uncertain Significance.

Women's Health and Genetics/Laboratory Corporation of America, LabCorp
Classification: Uncertain significance. Last evaluated: 2024-05-29. Review status: criteria provided, single submitter. Criteria: LabCorp Variant Classification Summary - May 2015. Collection method: clinical testing. Allele origin: germline.
Comment: Variant summary: CACNA1D c.3013G>A (p.Val1005Ile) results in a conservative amino acid change located in the Ion transport domain (IPR005821) of the encoded protein sequence. Four of five in-silico tools predict a damaging effect of the variant on protein function. The variant allele was found at a frequency of 3.2e-05 in 251486 control chromosomes. The available data on variant occurrences in the general population are insufficient to allow any conclusion about variant significance. To our knowledge, no occurrence of c.3013G>A in individuals affected with Sinoatrial Node Dysfunction And Deafness and no experimental evidence demonstrating its impact on protein function have been reported. ClinVar contains an entry for this variant (Variation ID: 1445546). Based on the evidence outlined above, the variant was classified as uncertain significance.